The following is an entry in ClinVar:

NM_001690.4(ATP6V1A):c.622G>A (p.Val208Ile)

Gene: ATP6V1A (ATPase H+ transporting V1 subunit A; plus strand). Cytogenetic location: 3q13.31.
Variant type: single nucleotide variant.
Coding change: c.622G>A on transcript NM_001690.4 (MANE Select); coding-DNA position 622, G replaced by A.
Protein change: p.Val208Ile; replaces valine 208 with isoleucine.
Molecular consequence: missense variant.
Genome position (GRCh38, 1-based): chr3:113,786,289, G>A. VCF-style: chr3-113786289-G-A. GRCh37 (hg19) VCF-style: chr3-113505136-G-A.
Other names: short protein forms V208I.
Identifiers: ClinVar variation 2228302 (VCV002228302.2), dbSNP rs1299646565, ClinGen allele CA354010753.

ClinVar aggregate classification (germline): Uncertain significance (1 of 4 stars; one submission).

Conditions:
Inborn genetic diseases. Identifiers: MedGen C0950123, MeSH D030342.

gnomAD v4.1: 4 of 1,613,210 alleles (0.00025%); highest among the groups gnomAD compares: South Asian, 0.0011%; no homozygotes.

Submission:

Ambry Genetics
Classification: Uncertain significance for Inborn genetic diseases. Last evaluated: 2020-12-28. Review status: criteria provided, single submitter. Criteria: Ambry Variant Classification Scheme 2023. Collection method: clinical testing. Allele origin: germline.
Comment: The c.622G>A (p.V208I) alteration is located in exon 6 (coding exon 5) of the ATP6V1A gene. This alteration results from a G to A substitution at nucleotide position 622, causing the valine (V) at amino acid position 208 to be replaced by an isoleucine (I). The p.V208I alteration is predicted to be tolerated by in silico analysis. Based on insufficient or conflicting evidence, the clinical significance of this alteration remains unclear.